The following is an entry in ClinVar:

NM_002470.4(MYH3):c.5263_5265del (p.Lys1755del)

Gene: MYH3 (myosin heavy chain 3; minus strand). Cytogenetic location: 17p13.1.
Variant type: Deletion.
Coding change: c.5263_5265del on transcript NM_002470.4 (MANE Select); coding-DNA positions 5263 to 5265, 3 bases deleted (AAG; older notation c.5263_5265delAAG).
Protein change: p.Lys1755del; deletes lysine 1755.
Molecular consequence: inframe deletion.
Genome position (GRCh38, 1-based): chr17:10,631,632-10,631,634, CTT deleted on the plus strand (AAG on the coding strand, the reverse complement: MYH3 is on the minus strand); deleting any 3 consecutive bases within chr17:10,631,632-10,631,636 gives the same sequence; the c. name uses the placement nearest the transcript's 3' end. VCF-style (leftmost placement, unchanged base first): chr17-10631631-CCTT-C. GRCh37 (hg19) VCF-style: chr17-10534948-CCTT-C.
Other names: short protein forms K1755del.
Identifiers: ClinVar variation 2857680 (VCV002857680.3), dbSNP rs752266690, ClinGen allele CA8392000.

ClinVar aggregate classification (germline): Uncertain significance (1 of 4 stars; one submission).

Submission:

Labcorp Genetics (formerly Invitae), Labcorp
Classification: Uncertain significance. Last evaluated: 2024-07-03. Review status: criteria provided, single submitter. Criteria: Invitae Variant Classification Sherloc (09022015). Collection method: clinical testing. Allele origin: germline.
Comment: This variant, c.5263_5265del, results in the deletion of 1 amino acid(s) of the MYH3 protein (p.Lys1755del), but otherwise preserves the integrity of the reading frame. This variant is present in population databases (rs752266690, gnomAD 0.004%). This variant has been observed in individual(s) with distal arthrogryposis (PMID: 30008475). Experimental studies and prediction algorithms are not available or were not evaluated, and the functional significance of this variant is currently unknown. In summary, the available evidence is currently insufficient to determine the role of this variant in disease. Therefore, it has been classified as a Variant of Uncertain Significance.

Literature cited by the submitters: PubMed 30008475.